The following is an entry in ClinVar:

ClinVar aggregate classification (germline): Benign/Likely benign. Review status: criteria provided, multiple submitters, no conflicts (2 of 4 stars). 4 submissions from 4 submitters: Benign (1); Likely benign (3). Last evaluated 2024-11-22.

Allele frequency attached by ClinVar (database versions not stated): gnomAD exomes 0.00055; ExAC 0.00083; 1000 Genomes Project 30x 0.00094; 1000 Genomes Project 0.00100; gnomAD 0.00144 and 0.00149; ESP Exome Variant Server 0.00145; TOPMed 0.00181.

Submissions (4):

Blueprint Genetics
Classification: Likely benign. Last evaluated: 2024-11-22. Review status: criteria provided, single submitter. Criteria: ACMG Guidelines, 2015. Collection method: clinical testing. Allele origin: germline.

CeGaT Center for Human Genetics Tuebingen
Classification: Likely benign. Last evaluated: 2024-07-01. Review status: criteria provided, single submitter. Criteria: CeGaT Center For Human Genetics Tuebingen Variant Classification Criteria Version 2. Collection method: clinical testing. Allele origin: germline. Affected: yes. Observed: 4 variant alleles.
Comment: SHANK3: BP4, BS1

GeneDx
Classification: Benign. Last evaluated: 2020-06-16. Review status: criteria provided, single submitter. Criteria: GeneDx Variant Classification Process June 2021. Collection method: clinical testing. Allele origin: germline. Affected: yes.

Genetic Services Laboratory, University of Chicago
Classification: Likely benign. Last evaluated: 2018-04-16. Review status: criteria provided, single submitter. Criteria: ACMG Guidelines, 2015. Collection method: clinical testing. Allele origin: germline. Affected: no.

NM_001372044.2(SHANK3):c.1190+7C>T

Gene: SHANK3 (SH3 and multiple ankyrin repeat domains 3; plus strand). Cytogenetic location: 22q13.33.
Variant type: single nucleotide variant.
Coding change: c.1190+7C>T on transcript NM_001372044.2 (MANE Select); 7 bases into the intron after coding-DNA position 1190, C replaced by T.
Molecular consequence: intron variant.
Genome position (GRCh38, 1-based): chr22:50,683,424, C>T. VCF-style: chr22-50683424-C-T. GRCh37 (hg19) VCF-style: chr22-51121852-C-T.
Other names: NM_001080420.1:c.963+7C>T.
Identifiers: ClinVar variation 1269035 (VCV001269035.37), dbSNP rs186106384, ClinGen allele CA10325413.